The following is an entry in ClinVar:

ClinVar aggregate classification (germline): Uncertain significance (1 of 4 stars; one submission).

Conditions:
Developmental and epileptic encephalopathy, 31A. Also called: Epileptic encephalopathy, early infantile, 31; Developmental and epileptic encephalopathy, 31. Identifiers: Orphanet 2382, MedGen C4225357, MONDO:0014598, OMIM 616346.

gnomAD v4.1: 1 of 1,585,634 alleles (0.000063%); highest among the groups gnomAD compares: East Asian, 0.0023%; no homozygotes.

Submission:

Labcorp Genetics (formerly Invitae), Labcorp
Classification: Uncertain significance for Developmental and epileptic encephalopathy, 31A. Last evaluated: 2023-05-11. Review status: criteria provided, single submitter. Criteria: Invitae Variant Classification Sherloc (09022015). Collection method: clinical testing. Allele origin: germline.
Comment: Advanced modeling of protein sequence and biophysical properties (such as structural, functional, and spatial information, amino acid conservation, physicochemical variation, residue mobility, and thermodynamic stability) performed at Invitae indicates that this missense variant is expected to disrupt DNM1 protein function. This variant has not been reported in the literature in individuals affected with DNM1-related conditions. This variant is not present in population databases (gnomAD no frequency). This sequence change replaces isoleucine, which is neutral and non-polar, with methionine, which is neutral and non-polar, at codon 201 of the DNM1 protein (p.Ile201Met). In summary, the available evidence is currently insufficient to determine the role of this variant in disease. Therefore, it has been classified as a Variant of Uncertain Significance.

NM_004408.4(DNM1):c.603C>G (p.Ile201Met)

Gene: DNM1 (dynamin 1; plus strand). Cytogenetic location: 9q34.11.
Variant type: single nucleotide variant.
Coding change: c.603C>G on transcript NM_004408.4 (MANE Select); coding-DNA position 603, C replaced by G.
Protein change: p.Ile201Met; replaces isoleucine 201 with methionine.
Molecular consequence: missense variant.
Genome position (GRCh38, 1-based): chr9:128,220,001, C>G. VCF-style: chr9-128220001-C-G. GRCh37 (hg19) VCF-style: chr9-130982280-C-G.
Other names: c.603C>G, p.Ile201Met (NM_001005336.3, NM_001288737.2, NM_001288738.2 and 2 more transcripts); short protein forms I201M.
Identifiers: ClinVar variation 3009478 (VCV003009478.3), dbSNP rs1484030185, ClinGen allele CA375012209.